The following is an entry in ClinVar:

ClinVar aggregate classification (germline): Pathogenic/Likely pathogenic. Review status: criteria provided, multiple submitters, no conflicts (2 of 4 stars). 2 submissions from 2 submitters: Pathogenic (1); Likely pathogenic (1). Last evaluated 2018-07-01.

Conditions:
Tubulinopathy. Also called: Tubulinopathies. Identifiers: MedGen CN850169, MONDO:0100153.

Submissions (2):

Institute of Human Genetics, FAU Erlangen, Friedrich-Alexander-Universität Erlangen-Nürnberg
Classification: Likely pathogenic for Tubulinopathies. Last evaluated: 2018-07-01. Review status: criteria provided, single submitter. Criteria: ACMG Guidelines, 2015. Collection method: literature only. Allele origin: germline. Affected: yes. Observed: 1 variant allele.
Comment: The c.17C>G, p.(Ser6Cys) variant has been reported as a variant of germline/unknown origin.

GeneDx
Classification: Pathogenic. Last evaluated: 2015-04-13. Review status: criteria provided, single submitter. Criteria: GeneDx Variant Classification (06012015). Collection method: clinical testing. Allele origin: germline. Affected: yes.
Comment: The S6C variant in the TUBA1A gene has not been reported previously as a pathogenic variantnor as a benign polymorphism, to our knowledge. The S6C variant was not observed in approximately6500 individuals of European and African American ancestry in the NHLBI Exome Sequencing Project,indicating it is not a common benign variant in these populations. The S6C variant is a non-conservativeamino acid substitution, which is likely to impact secondary protein structure as these residues differ inpolarity, charge, size and/or other properties. This substitution occurs at a position that is conserved acrossspecies. In silico analysis predicts this variant is probably damaging to the protein structure/function. Amissense variant in a nearby residue (I5L) has been reported in the Human Gene Mutation Database inassociation with polymicrogyria (Stenson et al., 2014), supporting the functional importance of this region ofthe protein. We interpret S6C as a pathogenic variant.

Literature cited by the submitters: PubMed 30744660 (cited by Institute of Human Genetics, FAU Erlangen, Friedrich-Alexander-Universität Erlangen-Nürnberg); DOI 10.1101/427948 (cited by Institute of Human Genetics, FAU Erlangen, Friedrich-Alexander-Universität Erlangen-Nürnberg).

NM_006009.4(TUBA1A):c.17C>G (p.Ser6Cys)

Gene: TUBA1A (tubulin alpha 1a; minus strand). Cytogenetic location: 12q13.12.
Variant type: single nucleotide variant.
Coding change: c.17C>G on transcript NM_006009.4 (MANE Select); coding-DNA position 17, C replaced by G.
Protein change: p.Ser6Cys; replaces serine 6 with cysteine.
Molecular consequence: missense variant. On other transcripts: 5 prime UTR variant (1).
Genome position (GRCh38, 1-based): chr12:49,186,820, G>C on the plus strand (C>G on the coding strand, the complement: TUBA1A is on the minus strand). VCF-style: chr12-49186820-G-C. GRCh37 (hg19) VCF-style: chr12-49580603-G-C.
Other names: c.17C>G, p.Ser6Cys (NM_001270399.2); c.-89C>G (NM_001270400.2); short protein forms S6C.
Identifiers: ClinVar variation 379329 (VCV000379329.3), dbSNP rs1057520574, ClinGen allele CA16606562.